The following is an entry in ClinVar:

NM_002230.4(JUP):c.560C>T (p.Ala187Val)

Gene: JUP (junction plakoglobin; minus strand). Cytogenetic location: 17q21.2.
Variant type: single nucleotide variant.
Coding change: c.560C>T on transcript NM_002230.4 (MANE Select); coding-DNA position 560, C replaced by T.
Protein change: p.Ala187Val; replaces alanine 187 with valine.
Molecular consequence: missense variant.
Genome position (GRCh38, 1-based): chr17:41,769,116, G>A on the plus strand (C>T on the coding strand, the complement: JUP is on the minus strand). VCF-style: chr17-41769116-G-A. GRCh37 (hg19) VCF-style: chr17-39925368-G-A.
Other names: c.560C>T, p.Ala187Val (NM_001352773.2, NM_001352774.2, NM_001352775.2 and 3 more transcripts); short protein forms A187V.
Identifiers: ClinVar variation 222660 (VCV000222660.18), dbSNP rs782370709, ClinGen allele CA354027.

ClinVar aggregate classification (germline): Conflicting classifications of pathogenicity. Review status: criteria provided, conflicting classifications (1 of 4 stars). 7 submissions from 7 submitters: Uncertain significance (3); Likely benign (3). 1 of the submissions does not count toward it. Last evaluated 2026-01-10.

Conditions:
Arrhythmogenic right ventricular dysplasia 12. Also called: ARRHYTHMOGENIC RIGHT VENTRICULAR DYSPLASIA, FAMILIAL, 12. Identifiers: MedGen C1969081, MONDO:0012684, OMIM 611528.
Naxos disease (NXD). Also called: CARDIOMYOPATHY, ARRHYTHMOGENIC RIGHT VENTRICULAR, WITH SKIN, HAIR, AND NAIL ABNORMALITIES; KERATOSIS PALMOPLANTARIS WITH ARRHYTHMOGENIC CARDIOMYOPATHY; MAL DE NAXOS; PALMOPLANTAR KERATODERMA WITH ARRHYTHMOGENIC RIGHT VENTRICULAR CARDIOMYOPATHY AND WOOLLY HAIR; WOOLLY HAIR, PALMOPLANTAR KERATODERMA, AND CARDIAC ABNORMALITIES. Identifiers: Orphanet 34217, MedGen C1832600, MONDO:0011017, OMIM 601214.
JUP-related disorder. Also called: JUP-related condition.
Cardiovascular phenotype. Identifiers: MedGen CN230736.

Allele frequency attached by ClinVar (database versions not stated): TOPMed 0.00006; gnomAD exomes 0.00011 and 0.00002; ExAC 0.00013; gnomAD 0.00005.
gnomAD v4.1: 36 of 1,611,268 alleles (0.0022%); highest among the groups gnomAD compares: East Asian, 0.071%; no homozygotes.

Submissions (7):

Labcorp Genetics (formerly Invitae), Labcorp
Classification: Likely benign for Arrhythmogenic right ventricular dysplasia 12; Naxos disease. Last evaluated: 2026-01-10. Review status: criteria provided, single submitter. Criteria: Invitae Variant Classification Sherloc (09022015). Collection method: clinical testing. Allele origin: germline.

Blueprint Genetics
Classification: Uncertain significance. Last evaluated: 2023-12-04. Review status: criteria provided, single submitter. Criteria: ACMG Guidelines, 2015. Collection method: clinical testing. Allele origin: germline.

GeneDx
Classification: Uncertain significance. Last evaluated: 2023-02-02. Review status: criteria provided, single submitter. Criteria: GeneDx Variant Classification Process June 2021. Collection method: clinical testing. Allele origin: germline. Affected: yes.
Comment: Has not been previously published as pathogenic or benign to our knowledge; In silico analysis supports that this missense variant has a deleterious effect on protein structure/function

Ambry Genetics
Classification: Likely benign for Cardiovascular phenotype. Last evaluated: 2022-05-30. Review status: criteria provided, single submitter. Criteria: Ambry Variant Classification Scheme 2023. Collection method: clinical testing. Allele origin: germline.

Department of Pathology and Laboratory Medicine, Sinai Health System
Classification: Uncertain significance for Naxos disease; Arrhythmogenic right ventricular dysplasia 12. Last evaluated: 2021-07-30. Review status: criteria provided, single submitter. Criteria: ACMG Guidelines, 2015. Collection method: research. Allele origin: germline.

Women's Health and Genetics/Laboratory Corporation of America, LabCorp
Classification: Likely benign. Last evaluated: 2016-11-14. Review status: criteria provided, single submitter. Criteria: LabCorp Variant Classification Summary - May 2015. Collection method: clinical testing. Allele origin: germline.
Comment: Variant summary: The c.560C>T (p.Ala187Val) in JUP gene is a missense change that alters a highly conserved nucleotide and 4/4 in silico tools predict deleterious outcome. The variant is present in the large control population dataset of ExAC at a frequency 0.00013 (15/116408 chrs tested), predominantly in individuals of East Asian descent (0.0016; 14/8478 chrs tested). This frequency greatly exceeds the maximal expected frequency of a pathogenic allele (0.000025) in this gene. The variant has not, to our knowledge, been reported in affected individuals via published reports, but was cited as VUS by a reputable database/clinical laboratory. Taking together, the variant of interest was classified as Likely Benign.

PreventionGenetics, part of Exact Sciences
Classification: Likely benign for JUP-related condition. Last evaluated: 2022-05-04. Review status: no assertion criteria provided. Collection method: clinical testing. Allele origin: germline. Not counted in ClinVar's aggregate classification.
Comment: This variant is classified as likely benign based on ACMG/AMP sequence variant interpretation guidelines (Richards et al. 2015 PMID: 25741868, with internal and published modifications).